The following is an entry in ClinVar:

ClinVar aggregate classification (germline): Likely benign. Review status: criteria provided, multiple submitters, no conflicts (2 of 4 stars). 2 submissions from 2 submitters: Likely benign (2). Last evaluated 2024-04-01.

Allele frequency attached by ClinVar (database versions not stated): gnomAD exomes 0.00007 and 0.00017; 1000 Genomes Project 30x 0.00016; 1000 Genomes Project 0.00020; ExAC 0.00022; ESP Exome Variant Server 0.00054; TOPMed 0.00076; gnomAD 0.00080 and 0.00083.

Submissions (2):

CeGaT Center for Human Genetics Tuebingen
Classification: Likely benign. Last evaluated: 2024-04-01. Review status: criteria provided, single submitter. Criteria: CeGaT Center For Human Genetics Tuebingen Variant Classification Criteria Version 2. Collection method: clinical testing. Allele origin: germline. Affected: yes. Observed: 1 variant allele.
Comment: GPT2: BP4, BP7

Labcorp Genetics (formerly Invitae), Labcorp
Classification: Likely benign. Last evaluated: 2018-11-15. Review status: criteria provided, single submitter. Criteria: Invitae Variant Classification Sherloc (09022015). Collection method: clinical testing. Allele origin: germline.

NM_133443.4(GPT2):c.1413G>A (p.Leu471=)

Gene: GPT2 (glutamic--pyruvic transaminase 2; plus strand). Cytogenetic location: 16q11.2.
Variant type: single nucleotide variant.
Coding change: c.1413G>A on transcript NM_133443.4 (MANE Select); coding-DNA position 1413, G replaced by A.
Protein change: p.Leu471=; no amino-acid change (leucine 471 retained).
Molecular consequence: synonymous variant.
Genome position (GRCh38, 1-based): chr16:46,926,969, G>A. VCF-style: chr16-46926969-G-A. GRCh37 (hg19) VCF-style: chr16-46960881-G-A.
Other names: c.1113G>A, p.Leu371= (NM_001142466.3).
Identifiers: ClinVar variation 745372 (VCV000745372.23), dbSNP rs138336527, ClinGen allele CA8038924.
Genomic context (GRCh38, chr16:46,926,969, plus strand): 5'-CTGTCTGCTCCCATAGGCCCATCAAATGGCTCCAGACATGTTCTACTGCATGAAGCTCCT[G>A]GAGGAGACTGGCATCTGTGTCGTGCCCGGCAGTGGCTTTGGGCAGAGGGAAGGCACTTAC-3'
Protein context (NP_597700.1, residues 461-481): APDMFYCMKL[Leu471=]EETGICVVPG